The following is an entry in ClinVar:

NM_000208.4(INSR):c.3436G>A (p.Gly1146Arg)

Gene: INSR (insulin receptor; minus strand). Cytogenetic location: 19p13.2.
Variant type: single nucleotide variant.
Coding change: c.3436G>A on transcript NM_000208.4 (MANE Select); coding-DNA position 3436, G replaced by A.
Protein change: p.Gly1146Arg; replaces glycine 1146 with arginine.
Molecular consequence: missense variant.
Genome position (GRCh38, 1-based): chr19:7,122,707, C>T on the plus strand (G>A on the coding strand, the complement: INSR is on the minus strand). VCF-style: chr19-7122707-C-T. GRCh37 (hg19) VCF-style: chr19-7122718-C-T.
Other names: c.3400G>A, p.Gly1134Arg (NM_001079817.3); short protein forms G1146R, G1134R.
Identifiers: ClinVar variation 3723251 (VCV003723251.2).

ClinVar aggregate classification (germline): Uncertain significance (1 of 4 stars; one submission).

Submission:

Labcorp Genetics (formerly Invitae), Labcorp
Classification: Uncertain significance. Last evaluated: 2024-08-24. Review status: criteria provided, single submitter. Criteria: Invitae Variant Classification Sherloc (09022015). Collection method: clinical testing. Allele origin: germline.
Comment: This sequence change replaces glycine, which is neutral and non-polar, with arginine, which is basic and polar, at codon 1146 of the INSR protein (p.Gly1146Arg). This variant is not present in population databases (gnomAD no frequency). This missense change has been observed in individual(s) with acanthosis nigricans, hirsutism, and/or type A insulin resistance (PMID: 19135752, 29877041). Invitae Evidence Modeling of protein sequence and biophysical properties (such as structural, functional, and spatial information, amino acid conservation, physicochemical variation, residue mobility, and thermodynamic stability) indicates that this missense variant is expected to disrupt INSR protein function with a positive predictive value of 80%. Experimental studies have shown that this missense change affects INSR function (PMID: 28181734). In summary, the available evidence is currently insufficient to determine the role of this variant in disease. Therefore, it has been classified as a Variant of Uncertain Significance.

Literature cited by the submitters: PubMed 19135752; PubMed 29877041; PubMed 28181734.